The following is an entry in ClinVar:

NM_006904.7(PRKDC):c.9558A>T (p.Arg3186=)

Gene: PRKDC (protein kinase, DNA-activated, catalytic subunit; minus strand). Cytogenetic location: 8q11.21.
Variant type: single nucleotide variant.
Coding change: c.9558A>T on transcript NM_006904.7 (MANE Select); coding-DNA position 9558, A replaced by T.
Protein change: p.Arg3186=; no amino-acid change (arginine 3186 retained).
Molecular consequence: synonymous variant.
Genome position (GRCh38, 1-based): chr8:47,807,326, T>A on the plus strand (A>T on the coding strand, the complement: PRKDC is on the minus strand). VCF-style: chr8-47807326-T-A. GRCh37 (hg19) VCF-style: chr8-48719887-T-A.
Other names: c.9558A>T, p.Arg3186= (NM_001081640.2).
Identifiers: ClinVar variation 582477 (VCV000582477.3), dbSNP rs1395770181, ClinGen allele CA460606276.
Genomic context (GRCh38, chr8:47,807,326, plus strand): 5'-CATACTATTATCTTCTGGAAGAGGGGTAAGCTTCTCCTCTATTTTGCTGAGAAAGAAACA[T>A]CTACACAAAGAAAAATGAGACAATGTCACAGACTCAGGAATAGGAAGCTGCTGGATAGCA-3'
Protein context (NP_008835.5, residues 3176-3196): MNIWDDIITN[Arg3186=]CFFLSKIEEK

ClinVar aggregate classification (germline): Uncertain significance (1 of 4 stars; one submission).

Conditions:
Severe combined immunodeficiency due to DNA-PKcs deficiency. Also called: IMMUNODEFICIENCY 26 WITH NEUROLOGIC ABNORMALITIES; Immunodeficiency 26 with or without neurologic abnormalities. Identifiers: Orphanet 317425, MedGen C4014833, MONDO:0014423, OMIM 615966.

Allele frequency attached by ClinVar (database versions not stated): TOPMed below 0.00001.
gnomAD v4.1: 1 of 1,541,874 alleles (0.000065%); highest among the groups gnomAD compares: Non-Finnish European, 0.000087%; no homozygotes.

Submission:

Labcorp Genetics (formerly Invitae), Labcorp
Classification: Uncertain significance for Severe combined immunodeficiency due to DNA-PKcs deficiency. Last evaluated: 2021-10-21. Review status: criteria provided, single submitter. Criteria: Invitae Variant Classification Sherloc (09022015). Collection method: clinical testing. Allele origin: germline.
Comment: This sequence change affects codon 3186 of the PRKDC mRNA. It is a 'silent' change, meaning that it does not change the encoded amino acid sequence of the PRKDC protein. This variant is not present in population databases (ExAC no frequency). This variant has not been reported in the literature in individuals with PRKDC-related disease. Algorithms developed to predict the effect of sequence changes on RNA splicing suggest that this variant may disrupt the consensus splice site, but this prediction has not been confirmed by published transcriptional studies. In summary, the available evidence is currently insufficient to determine the role of this variant in disease. Therefore, it has been classified as a Variant of Uncertain Significance.